The following is an entry in ClinVar:

ClinVar aggregate classification (germline): Uncertain significance (1 of 4 stars; one submission).

Conditions:
Orthostatic hypotension 1 (ORTHYP1). Also called: Dopamine beta-hydroxylase deficiency; NORADRENALINE DEFICIENCY; NOREPINEPHRINE DEFICIENCY; Orthostatic hypotension 1, due to DBH deficiency. Identifiers: Orphanet 230, MedGen C4746777, MONDO:0009123, OMIM 223360.

Allele frequency attached by ClinVar (database versions not stated): gnomAD exomes 0.00006 and 0.00007; gnomAD 0.00007; TOPMed 0.00007; ExAC 0.00008; ESP Exome Variant Server 0.00008.
gnomAD v4.1: 110 of 1,613,100 alleles (0.0068%); highest among the groups gnomAD compares: Middle Eastern, 0.033%; no homozygotes.

Submission:

Labcorp Genetics (formerly Invitae), Labcorp
Classification: Uncertain significance for Orthostatic hypotension 1. Last evaluated: 2025-02-01. Review status: criteria provided, single submitter. Criteria: Invitae Variant Classification Sherloc (09022015). Collection method: clinical testing. Allele origin: germline.
Comment: This sequence change replaces glycine, which is neutral and non-polar, with serine, which is neutral and polar, at codon 510 of the DBH protein (p.Gly510Ser). This variant is present in population databases (rs144040856, gnomAD 0.01%). This variant has not been reported in the literature in individuals affected with DBH-related conditions. ClinVar contains an entry for this variant (Variation ID: 999924). Invitae Evidence Modeling of protein sequence and biophysical properties (such as structural, functional, and spatial information, amino acid conservation, physicochemical variation, residue mobility, and thermodynamic stability) indicates that this missense variant is not expected to disrupt DBH protein function with a negative predictive value of 80%. In summary, the available evidence is currently insufficient to determine the role of this variant in disease. Therefore, it has been classified as a Variant of Uncertain Significance.

NM_000787.4(DBH):c.1528G>A (p.Gly510Ser)

Genes: DBH (dopamine beta-hydroxylase; plus strand), DBH-AS1 (DBH antisense RNA 1; minus strand). Cytogenetic location: 9q34.2.
Variant type: single nucleotide variant.
Coding change: c.1528G>A on transcript NM_000787.4 (MANE Select); coding-DNA position 1528, G replaced by A.
Protein change: p.Gly510Ser; replaces glycine 510 with serine.
Molecular consequence: missense variant.
Genome position (GRCh38, 1-based): chr9:133,656,616, G>A. VCF-style: chr9-133656616-G-A. GRCh37 (hg19) VCF-style: chr9-136521738-G-A.
Other names: short protein forms G510S.
Identifiers: ClinVar variation 999924 (VCV000999924.6), dbSNP rs144040856, ClinGen allele CA5313570.
Genomic context (GRCh38, chr9:133,656,616, plus strand): 5'-AACTACGTGCACTACTACCCCCAGACGCAGCTGGAGCTCTGCAAGAGCGCTGTGGACGCC[G>A]GCTTCCTGCAGAAGTACTTCCACCTCATCAACAGGTGAGGGCTCCCTGCACAAGCTCCCT-3'
Protein context (NP_000778.3, residues 500-520): LELCKSAVDA[Gly510Ser]FLQKYFHLIN